The following is an entry in ClinVar:

NM_001009944.3(PKD1):c.6575C>G (p.Thr2192Ser)

Gene: PKD1 (polycystin 1, transient receptor potential channel interacting; minus strand). Cytogenetic location: 16p13.3.
Variant type: single nucleotide variant.
Coding change: c.6575C>G on transcript NM_001009944.3 (MANE Select); coding-DNA position 6575, C replaced by G.
Protein change: p.Thr2192Ser; replaces threonine 2192 with serine.
Molecular consequence: missense variant.
Genome position (GRCh38, 1-based): chr16:2,108,592, G>C on the plus strand (C>G on the coding strand, the complement: PKD1 is on the minus strand). VCF-style: chr16-2108592-G-C. GRCh37 (hg19) VCF-style: chr16-2158593-G-C.
Other names: c.6575C>G, p.Thr2192Ser (NM_000296.4); short protein forms T2192S.
Identifiers: ClinVar variation 816645 (VCV000816645.1), dbSNP rs919229409, ClinGen allele CA276780763.

ClinVar aggregate classification (germline): Uncertain significance (1 of 4 stars; one submission).

Conditions:
Polycystic kidney disease, adult type (PKD1). Also called: Polycystic Kidney, Autosomal Dominant; POLYCYSTIC KIDNEY DISEASE 1 WITH OR WITHOUT POLYCYSTIC LIVER DISEASE; Polycystic Kidney Disease 1, Autosomal Dominant; Polycystic kidney disease 1; Polycystic kidney disease 1, severe; POLYCYSTIC KIDNEY DISEASE, ADULT, TYPE I. Identifiers: MedGen C3149841, MONDO:0008263, OMIM 173900.

Allele frequency attached by ClinVar (database versions not stated): TOPMed 0.00002; gnomAD 0.00003.
gnomAD v4.1: 5 of 1,558,198 alleles (0.00032%); highest among the groups gnomAD compares: African/African-American, 0.0068%; no homozygotes.

Submission:

Johns Hopkins Genomics, Johns Hopkins University
Classification: Uncertain significance for Polycystic kidney disease, adult type. Last evaluated: 2019-10-07. Review status: criteria provided, single submitter. Criteria: ACMG Guidelines, 2015. Collection method: clinical testing. Allele origin: germline.
Comment: This PKD1 variant has not been reported in ClinVar nor the literature, to our knowledge. Additionally this variant (rs919229409) is rare (<0.1%) in large population datasets (gnomAD: 3/31354 total alleles*; 0.009568%; no homozygotes). Three bioinformatic tools queried predict that this substitution would be tolerated, and the threonine residue at this position is not evolutionarily conserved across species assessed. Bioinformatic analysis predicts that this missense variant would not affect normal exon 15 splicing, although this has not been confirmed experimentally to our knowledge. Due to insufficient evidence that this variant is deleterious, we consider the clinical significance of c.6575C>G to be uncertain at this time.